The following is an entry in ClinVar:

ClinVar aggregate classification (germline): Uncertain significance (1 of 4 stars; one submission).

Submission:

Labcorp Genetics (formerly Invitae), Labcorp
Classification: Uncertain significance. Last evaluated: 2026-01-24. Review status: criteria provided, single submitter. Criteria: Invitae Variant Classification Sherloc (09022015). Collection method: clinical testing. Allele origin: germline.
Comment: This sequence change replaces proline, which is neutral and non-polar, with serine, which is neutral and polar, at codon 428 of the ZCCHC8 protein (p.Pro428Ser). This variant is not present in population databases (gnomAD no frequency). This variant has not been reported in the literature in individuals affected with ZCCHC8-related conditions. Invitae Evidence Modeling of protein sequence and biophysical properties (such as structural, functional, and spatial information, amino acid conservation, physicochemical variation, residue mobility, and thermodynamic stability) indicates that this missense variant is not expected to disrupt ZCCHC8 protein function with a negative predictive value of 80%. In summary, the available evidence is currently insufficient to determine the role of this variant in disease. Therefore, it has been classified as a Variant of Uncertain Significance.

NM_017612.5(ZCCHC8):c.1282C>T (p.Pro428Ser)

Gene: ZCCHC8 (zinc finger CCHC-type containing 8; minus strand). Cytogenetic location: 12q24.31.
Variant type: single nucleotide variant.
Coding change: c.1282C>T on transcript NM_017612.5 (MANE Select); coding-DNA position 1282, C replaced by T.
Protein change: p.Pro428Ser; replaces proline 428 with serine.
Molecular consequence: missense variant.
Genome position (GRCh38, 1-based): chr12:122,477,904, G>A on the plus strand (C>T on the coding strand, the complement: ZCCHC8 is on the minus strand). VCF-style: chr12-122477904-G-A. GRCh37 (hg19) VCF-style: chr12-122962451-G-A.
Other names: c.1051C>T, p.Pro351Ser (NM_001350935.2); c.985C>T, p.Pro329Ser (NM_001350936.2); c.568C>T, p.Pro190Ser (NM_001350937.2, NM_001350938.2); short protein forms P190S, P351S, P329S, P428S.
Identifiers: ClinVar variation 4762829 (VCV004762829.1).